The following is an entry in ClinVar:

NM_004453.4(ETFDH):c.1369T>C (p.Ser457Pro)

Gene: ETFDH (electron transfer flavoprotein dehydrogenase; plus strand). Cytogenetic location: 4q32.1.
Variant type: single nucleotide variant.
Coding change: c.1369T>C on transcript NM_004453.4 (MANE Select); coding-DNA position 1369, T replaced by C.
Protein change: p.Ser457Pro; replaces serine 457 with proline.
Molecular consequence: missense variant.
Genome position (GRCh38, 1-based): chr4:158,706,272, T>C. VCF-style: chr4-158706272-T-C. GRCh37 (hg19) VCF-style: chr4-159627424-T-C.
Other names: c.1228T>C, p.Ser410Pro (NM_001281737.2); c.1186T>C, p.Ser396Pro (NM_001281738.1); short protein forms S396P, S410P, S457P.
Identifiers: ClinVar variation 1040865 (VCV001040865.4), dbSNP rs1404615636, ClinGen allele CA358564019.

ClinVar aggregate classification (germline): Uncertain significance (1 of 4 stars; one submission).

Conditions:
Multiple acyl-CoA dehydrogenase deficiency (MADD). Also called: Glutaric aciduria, type 2; Glutaric acidemia type II; GA 2; ETHYLMALONIC-ADIPICACIDURIA; GA II; Glutaric Acidemia type 2. Identifiers: Orphanet 26791, MedGen C0268596, MONDO:0009282, OMIM 231680.

Allele frequency attached by ClinVar (database versions not stated): gnomAD 0.00001; TOPMed 0.00001.
gnomAD v4.1: 1 of 1,611,852 alleles (0.000062%); highest among the groups gnomAD compares: Non-Finnish European, 0.000085%; no homozygotes.

Submission:

Labcorp Genetics (formerly Invitae), Labcorp
Classification: Uncertain significance for Multiple acyl-CoA dehydrogenase deficiency. Last evaluated: 2021-10-14. Review status: criteria provided, single submitter. Criteria: Invitae Variant Classification Sherloc (09022015). Collection method: clinical testing. Allele origin: germline.
Comment: This sequence change replaces serine with proline at codon 457 of the ETFDH protein (p.Ser457Pro). The serine residue is highly conserved and there is a moderate physicochemical difference between serine and proline. This variant is not present in population databases (ExAC no frequency). This variant has not been reported in the literature in individuals affected with ETFDH-related conditions. Advanced modeling of protein sequence and biophysical properties (such as structural, functional, and spatial information, amino acid conservation, physicochemical variation, residue mobility, and thermodynamic stability) performed at Invitae indicates that this missense variant is expected to disrupt ETFDH protein function. In summary, the available evidence is currently insufficient to determine the role of this variant in disease. Therefore, it has been classified as a Variant of Uncertain Significance.